The following is an entry in ClinVar:

NM_000092.5(COL4A4):c.3358C>T (p.Pro1120Ser)

Gene: COL4A4 (collagen type IV alpha 4 chain; minus strand). Cytogenetic location: 2q36.3.
Variant type: single nucleotide variant.
Coding change: c.3358C>T on transcript NM_000092.5 (MANE Select); coding-DNA position 3358, C replaced by T.
Protein change: p.Pro1120Ser; replaces proline 1120 with serine.
Molecular consequence: missense variant.
Genome position (GRCh38, 1-based): chr2:227,043,116, G>A on the plus strand (C>T on the coding strand, the complement: COL4A4 is on the minus strand). VCF-style: chr2-227043116-G-A. GRCh37 (hg19) VCF-style: chr2-227907832-G-A.
Other names: short protein forms P1120S.
Identifiers: ClinVar variation 1961215 (VCV001961215.5), dbSNP rs1971789194, ClinGen allele CA350838462.

ClinVar aggregate classification (germline): Uncertain significance (1 of 4 stars; one submission).

Allele frequency attached by ClinVar (database versions not stated): gnomAD exomes below 0.00001; gnomAD 0.00001.
gnomAD v4.1: 5 of 1,613,826 alleles (0.00031%); highest among the groups gnomAD compares: African/African-American, 0.0013%; no homozygotes.

Submission:

Labcorp Genetics (formerly Invitae), Labcorp
Classification: Uncertain significance. Last evaluated: 2023-12-21. Review status: criteria provided, single submitter. Criteria: Invitae Variant Classification Sherloc (09022015). Collection method: clinical testing. Allele origin: germline.
Comment: This sequence change replaces proline, which is neutral and non-polar, with serine, which is neutral and polar, at codon 1120 of the COL4A4 protein (p.Pro1120Ser). This variant is not present in population databases (gnomAD no frequency). This variant has not been reported in the literature in individuals affected with COL4A4-related conditions. ClinVar contains an entry for this variant (Variation ID: 1961215). Advanced modeling of protein sequence and biophysical properties (such as structural, functional, and spatial information, amino acid conservation, physicochemical variation, residue mobility, and thermodynamic stability) performed at Invitae indicates that this missense variant is not expected to disrupt COL4A4 protein function with a negative predictive value of 95%. In summary, the available evidence is currently insufficient to determine the role of this variant in disease. Therefore, it has been classified as a Variant of Uncertain Significance.